The following is an entry in ClinVar:

ClinVar aggregate classification (germline): Pathogenic. Review status: criteria provided, multiple submitters, no conflicts (2 of 4 stars). 2 submissions from 2 submitters: Pathogenic (2). Last evaluated 2022-09-10.

Conditions:
Maple syrup urine disease (MSUD). Identifiers: Orphanet 511, MedGen C0024776, MeSH D008375, MONDO:0009563. Disease mechanism: loss of function.

Submissions (2):

Labcorp Genetics (formerly Invitae), Labcorp
Classification: Pathogenic for Maple syrup urine disease. Last evaluated: 2022-09-10. Review status: criteria provided, single submitter. Criteria: Invitae Variant Classification Sherloc (09022015). Collection method: clinical testing. Allele origin: germline.
Comment: For these reasons, this variant has been classified as Pathogenic. ClinVar contains an entry for this variant (Variation ID: 93378). This variant has not been reported in the literature in individuals affected with BCKDHA-related conditions. This variant is not present in population databases (gnomAD no frequency). This sequence change creates a premature translational stop signal (p.Phe304Cysfs*36) in the BCKDHA gene. It is expected to result in an absent or disrupted protein product. Loss-of-function variants in BCKDHA are known to be pathogenic (PMID: 16786533, 22593002).

Eurofins Ntd Llc (ga)
Classification: Pathogenic. Last evaluated: 2013-08-23. Review status: criteria provided, single submitter. Criteria: EGL Classification Definitions. Collection method: clinical testing. Allele origin: germline. Observed: 1 variant allele, 1 homozygote.

Literature cited by the submitters: PubMed 16786533 (cited by Labcorp Genetics (formerly Invitae), Labcorp); PubMed 22593002 (cited by Labcorp Genetics (formerly Invitae), Labcorp).

NM_000709.4(BCKDHA):c.909_910del (p.Phe304fs)

Gene: BCKDHA (branched chain keto acid dehydrogenase E1 subunit alpha; plus strand). Cytogenetic location: 19q13.2.
Variant type: Microsatellite.
Coding change: c.909_910del on transcript NM_000709.4 (MANE Select); coding-DNA positions 909 to 910, 2 bases deleted (GT; older notation c.909_910delGT).
Protein change: p.Phe304fs; shifts the reading frame from phenylalanine 304.
Molecular consequence: frameshift variant.
Genome position (GRCh38, 1-based): chr19:41,422,684-41,422,685, GT deleted; deleting any 2 consecutive bases within chr19:41,422,681-41,422,685 gives the same sequence; the c. name uses the placement nearest the transcript's 3' end. VCF-style (leftmost placement, unchanged base first): chr19-41422680-ATG-A. GRCh37 (hg19) VCF-style: chr19-41928585-ATG-A.
Other names: c.906_907del, p.Phe303fs (NM_001164783.2); short protein forms F304fs, F303fs.
Identifiers: ClinVar variation 93378 (VCV000093378.10), dbSNP rs398123510, ClinGen allele CA221226.
Genomic context (GRCh38, chr19:41,422,680, plus strand): 5'-TCCCCACAGCAGCACGAGGCCCCGGGTATGGCATCATGTCAATCCGCGTGGATGGTAATG[ATG>A]TGTTTGCCGTATACAACGCCACAAAGGAGGCCCGACGGCGGGCTGTGGCAGAGAACCAGC-3'